The following is an entry in ClinVar:

ClinVar aggregate classification (germline): Uncertain significance (1 of 4 stars; one submission).

Submission:

Ambry Genetics
Classification: Uncertain significance. Last evaluated: 2025-07-03. Review status: criteria provided, single submitter. Criteria: Ambry Variant Classification Scheme 2023. Collection method: clinical testing. Allele origin: germline.
Comment: The p.L728W variant (also known as c.2183T>G), located in coding exon 13 of the GEN1 gene, results from a T to G substitution at nucleotide position 2183. The leucine at codon 728 is replaced by tryptophan, an amino acid with similar properties. This amino acid position is conserved. In addition, this alteration is predicted to be tolerated by in silico analysis. Based on the available evidence, the clinical significance of this variant remains unclear.

NM_001130009.3(GEN1):c.2183T>G (p.Leu728Trp)

Gene: GEN1 (GEN1 Holliday junction 5' flap endonuclease; plus strand). Cytogenetic location: 2p24.2.
Variant type: single nucleotide variant.
Coding change: c.2183T>G on transcript NM_001130009.3 (MANE Select); coding-DNA position 2183, T replaced by G.
Protein change: p.Leu728Trp; replaces leucine 728 with tryptophan.
Molecular consequence: missense variant.
Genome position (GRCh38, 1-based): chr2:17,781,395, T>G. VCF-style: chr2-17781395-T-G. GRCh37 (hg19) VCF-style: chr2-17962662-T-G.
Other names: c.2183T>G, p.Leu728Trp (NM_182625.5); short protein forms L728W.
Identifiers: ClinVar variation 4263007 (VCV004263007.1).